The following is an entry in ClinVar:

NM_001128431.4(SLC39A14):c.885C>T (p.Asp295=)

Gene: SLC39A14 (solute carrier family 39 member 14; plus strand). Cytogenetic location: 8p21.3.
Variant type: single nucleotide variant.
Coding change: c.885C>T on transcript NM_001128431.4 (MANE Select); coding-DNA position 885, C replaced by T.
Protein change: p.Asp295=; no amino-acid change (aspartic acid 295 retained).
Molecular consequence: synonymous variant.
Genome position (GRCh38, 1-based): chr8:22,415,903, C>T. VCF-style: chr8-22415903-C-T. GRCh37 (hg19) VCF-style: chr8-22273416-C-T.
Other names: c.885C>T, p.Asp295= (NM_001135153.3, NM_001135154.3, NM_001351655.2 and 3 more transcripts); c.915C>T, p.Asp305= (NM_001351657.2, NM_001351658.2, NM_001351659.2); c.885C>T (NM_015359.4).
Identifiers: ClinVar variation 2178627 (VCV002178627.6), dbSNP rs576951128, ClinGen allele CA4667455.

ClinVar aggregate classification (germline): Likely benign. Review status: criteria provided, single submitter (1 of 4 stars). 2 submissions from 2 submitters: Likely benign (1). 1 of the submissions does not count toward it. Last evaluated 2026-01-02.

Conditions:
SLC39A14-related disorder. Also called: SLC39A14-related condition.

Allele frequency attached by ClinVar (database versions not stated): ExAC 0.00009; gnomAD 0.00017; TOPMed 0.00017; 1000 Genomes Project 30x 0.00031; 1000 Genomes Project 0.00040.
gnomAD v4.1: 133 of 1,610,708 alleles (0.0083%); highest among the groups gnomAD compares: African/African-American, 0.043%; 1 homozygote.

Submissions (2):

Labcorp Genetics (formerly Invitae), Labcorp
Classification: Likely benign. Last evaluated: 2026-01-02. Review status: criteria provided, single submitter. Criteria: Invitae Variant Classification Sherloc (09022015). Collection method: clinical testing. Allele origin: germline.

PreventionGenetics, part of Exact Sciences
Classification: Likely benign for SLC39A14-related condition. Last evaluated: 2022-12-08. Review status: no assertion criteria provided. Collection method: clinical testing. Allele origin: germline. Not counted in ClinVar's aggregate classification.
Comment: This variant is classified as likely benign based on ACMG/AMP sequence variant interpretation guidelines (Richards et al. 2015 PMID: 25741868, with internal and published modifications).